The following is an entry in ClinVar:

NM_006516.4(SLC2A1):c.139A>G (p.Thr47Ala)

Gene: SLC2A1 (solute carrier family 2 member 1; minus strand). Cytogenetic location: 1p34.2.
Variant type: single nucleotide variant.
Coding change: c.139A>G on transcript NM_006516.4 (MANE Select); coding-DNA position 139, A replaced by G.
Protein change: p.Thr47Ala; replaces threonine 47 with alanine.
Molecular consequence: missense variant.
Genome position (GRCh38, 1-based): chr1:42,931,182, T>C on the plus strand (A>G on the coding strand, the complement: SLC2A1 is on the minus strand). VCF-style: chr1-42931182-T-C. GRCh37 (hg19) VCF-style: chr1-43396853-T-C.
Other names: short protein forms T47A.
Identifiers: ClinVar variation 953738 (VCV000953738.10), dbSNP rs1643485738, ClinGen allele CA339962513.
Genomic context (GRCh38, chr1:42,931,182, plus strand): 5'-GGGACCAGAGCGTGGTGAGCGTGGTGGGCAGGATGCTCTCCCCATAGCGGTGGACCCATG[T>C]CTGGTTGTAGAACTCCTCGATCACCTGCAGGGGGAGATGCAGCCTGGGTGAGCAAGCCAG-3'
Protein context (NP_006507.2, residues 37-57): QKVIEEFYNQ[Thr47Ala]WVHRYGESIL

ClinVar aggregate classification (germline): Uncertain significance (1 of 4 stars; one submission).

Conditions:
GLUT1 deficiency syndrome 1, autosomal recessive. Identifiers: MedGen C3149117.

Submission:

Labcorp Genetics (formerly Invitae), Labcorp
Classification: Uncertain significance for GLUT1 deficiency syndrome 1, autosomal recessive. Last evaluated: 2019-10-09. Review status: criteria provided, single submitter. Criteria: Invitae Variant Classification Sherloc (09022015). Collection method: clinical testing. Allele origin: germline.
Comment: This sequence change replaces threonine with alanine at codon 47 of the SLC2A1 protein (p.Thr47Ala). The threonine residue is highly conserved and there is a small physicochemical difference between threonine and alanine. This variant is not present in population databases (ExAC no frequency). This variant has not been reported in the literature in individuals with SLC2A1-related conditions. Algorithms developed to predict the effect of missense changes on protein structure and function are either unavailable or do not agree on the potential impact of this missense change (SIFT: "Tolerated"; PolyPhen-2: "Possibly Damaging"; Align-GVGD: "Class C0"). In summary, the available evidence is currently insufficient to determine the role of this variant in disease. Therefore, it has been classified as a Variant of Uncertain Significance.